The following is an entry in ClinVar:

NM_015346.4(ZFYVE26):c.7591G>C (p.Gly2531Arg)

Gene: ZFYVE26 (zinc finger FYVE-type containing 26; minus strand). Cytogenetic location: 14q24.1.
Variant type: single nucleotide variant.
Coding change: c.7591G>C on transcript NM_015346.4 (MANE Select); coding-DNA position 7591, G replaced by C.
Protein change: p.Gly2531Arg; replaces glycine 2531 with arginine.
Molecular consequence: missense variant.
Genome position (GRCh38, 1-based): chr14:67,748,465, C>G on the plus strand (G>C on the coding strand, the complement: ZFYVE26 is on the minus strand). VCF-style: chr14-67748465-C-G. GRCh37 (hg19) VCF-style: chr14-68215182-C-G.
Other names: short protein forms G2531R.
Identifiers: ClinVar variation 2286565 (VCV002286565.3), dbSNP rs758850001, ClinGen allele CA390157089.

ClinVar aggregate classification (germline): Uncertain significance. Review status: criteria provided, multiple submitters, no conflicts (2 of 4 stars). 2 submissions from 2 submitters: Uncertain significance (2). Last evaluated 2025-10-04.

Conditions:
Inborn genetic diseases. Identifiers: MedGen C0950123, MeSH D030342.
Spastic paraplegia. Identifiers: MedGen C0037772, HP:0001258.

gnomAD v4.1: 2 of 1,612,600 alleles (0.00012%); highest among the groups gnomAD compares: Non-Finnish European, 0.00017%; no homozygotes.

Submissions (2):

Labcorp Genetics (formerly Invitae), Labcorp
Classification: Uncertain significance for Spastic paraplegia. Last evaluated: 2025-10-04. Review status: criteria provided, single submitter. Criteria: Invitae Variant Classification Sherloc (09022015). Collection method: clinical testing. Allele origin: germline.
Comment: This sequence change replaces glycine, which is neutral and non-polar, with arginine, which is basic and polar, at codon 2531 of the ZFYVE26 protein (p.Gly2531Arg). This variant is not present in population databases (gnomAD no frequency). This variant has not been reported in the literature in individuals affected with ZFYVE26-related conditions. ClinVar contains an entry for this variant (Variation ID: 2286565). An algorithm developed to predict the effect of missense changes on protein structure and function (PolyPhen-2) suggests that this variant is likely to be tolerated. In summary, the available evidence is currently insufficient to determine the role of this variant in disease. Therefore, it has been classified as a Variant of Uncertain Significance.

Ambry Genetics
Classification: Uncertain significance for Inborn genetic diseases. Last evaluated: 2022-04-28. Review status: criteria provided, single submitter. Criteria: Ambry Variant Classification Scheme 2023. Collection method: clinical testing. Allele origin: germline.